The following is an entry in ClinVar:

ClinVar aggregate classification (germline): Conflicting classifications of pathogenicity. Review status: criteria provided, conflicting classifications (1 of 4 stars). 10 submissions from 10 submitters: Uncertain significance (5); Likely benign (5). Last evaluated 2026-02-01.

Conditions:
Hereditary spastic paraplegia. Also called: Familial spastic paraparesis. Identifiers: Orphanet 685, MedGen C0037773, MONDO:0019064. Disease mechanism: loss of function.
Spastic paraplegia. Identifiers: MedGen C0037772, HP:0001258.
Hereditary spastic paraplegia 35. Also called: SPASTIC PARAPLEGIA 35, AUTOSOMAL RECESSIVE, WITH OR WITHOUT NEURODEGENERATION; LEUKODYSTROPHY, DYSMYELINATING, AND SPASTIC PARAPARESIS WITH OR WITHOUT DYSTONIA; Spastic paraplegia 35, autosomal recessive; Spastic paraplegia 35. Identifiers: Orphanet 171629, MedGen C3496228, MONDO:0012866, OMIM 612319.

Allele frequency attached by ClinVar (database versions not stated): ESP Exome Variant Server 0.00008; gnomAD 0.00010; TOPMed 0.00018; 1000 Genomes Project 0.00040; 1000 Genomes Project 30x 0.00062.
gnomAD v4.1: 366 of 1,608,368 alleles (0.023%); highest among the groups gnomAD compares: Admixed American, 0.17%; no homozygotes.

Submissions (10):

CeGaT Center for Human Genetics Tuebingen
Classification: Likely benign. Last evaluated: 2026-02-01. Review status: criteria provided, single submitter. Criteria: CeGaT Center For Human Genetics Tuebingen Variant Classification Criteria Version 2. Collection method: clinical testing. Allele origin: germline. Affected: yes. Observed: 3 variant alleles.
Comment: FA2H: BP4

Labcorp Genetics (formerly Invitae), Labcorp
Classification: Likely benign for Spastic paraplegia. Last evaluated: 2026-01-26. Review status: criteria provided, single submitter. Criteria: Invitae Variant Classification Sherloc (09022015). Collection method: clinical testing. Allele origin: germline.

Women's Health and Genetics/Laboratory Corporation of America, LabCorp
Classification: Likely benign. Last evaluated: 2025-11-25. Review status: criteria provided, single submitter. Criteria: LabCorp Variant Classification Summary - May 2015. Collection method: clinical testing. Allele origin: germline.
Comment: Variant summary: FA2H c.844G>A (p.Gly282Ser) results in a non-conservative amino acid change located in the Fatty acid hydroxylase domain (IPR006694) of the encoded protein sequence. Algorithms developed to predict the effect of missense changes on protein structure and function are either unavailable or do not agree on the potential impact of this missense change. The variant allele was found at a frequency of 0.00049 in 235824 control chromosomes, predominantly at a frequency of 0.0027 within the Latino subpopulation in the gnomAD database. The observed variant frequency within Latino control individuals in the gnomAD database exceeds the estimated maximal expected allele frequency for disease-causing variants in FA2H. To our knowledge, no occurrence of c.844G>A in individuals affected with FA2H-related conditions and no experimental evidence demonstrating its impact on protein function have been reported. ClinVar contains an entry for this variant (Variation ID: 320495). Based on the evidence outlined above, the variant was classified as likely benign.

Mayo Clinic Laboratories, Mayo Clinic
Classification: Uncertain significance. Last evaluated: 2025-09-13. Review status: criteria provided, single submitter. Criteria: ACMG Guidelines, 2015. Collection method: clinical testing. Allele origin: germline. Observed: 1 variant allele.
Comment: BS1

GeneDx
Classification: Uncertain significance. Last evaluated: 2024-12-05. Review status: criteria provided, single submitter. Criteria: GeneDx Variant Classification Process June 2021. Collection method: clinical testing. Allele origin: germline. Affected: yes.
Comment: In silico analysis indicates that this missense variant does not alter protein structure/function; Has not been previously published as pathogenic or benign to our knowledge; This variant is associated with the following publications: (PMID: 24359114)

Blueprint Genetics
Classification: Uncertain significance. Last evaluated: 2024-10-29. Review status: criteria provided, single submitter. Criteria: ACMG Guidelines, 2015. Collection method: clinical testing. Allele origin: germline.

Athena Diagnostics
Classification: Likely benign. Last evaluated: 2020-08-20. Review status: criteria provided, single submitter. Criteria: Athena Diagnostics Criteria. Collection method: clinical testing. Allele origin: unknown.

Illumina Laboratory Services, Illumina
Classification: Likely benign for Hereditary spastic paraplegia 35. Last evaluated: 2018-01-13. Review status: criteria provided, single submitter. Criteria: ICSL Variant Classification Criteria 13 December 2019. Collection method: clinical testing. Allele origin: germline.
Comment: This variant was observed in the ICSL laboratory as part of a predisposition screen in an ostensibly healthy population. It had not been previously curated by ICSL or reported in the Human Gene Mutation Database (HGMD: prior to June 1st, 2018), and was therefore a candidate for classification through an automated scoring system. Utilizing variant allele frequency, disease prevalence and penetrance estimates, and inheritance mode, an automated score was calculated to assess if this variant is too frequent to cause the disease. Based on the score and internal cut-off values, a variant classified as likely benign is not then subjected to further curation. The score for this variant resulted in a classification of likely benign for this disease.

Eurofins Ntd Llc (ga)
Classification: Uncertain significance. Last evaluated: 2017-01-24. Review status: criteria provided, single submitter. Criteria: EGL Classification Definitions 2015. Collection method: clinical testing. Allele origin: germline. Observed: 1 variant allele, 1 heterozygote.

Genome Diagnostics Laboratory, The Hospital for Sick Children
Classification: Uncertain significance for Hereditary spastic paraplegia. Last evaluated: 2016-12-12. Review status: criteria provided, single submitter. Criteria: ACMG Guidelines, 2015. Collection method: clinical testing. Allele origin: germline. Affected: yes.

NM_024306.5(FA2H):c.844G>A (p.Gly282Ser)

Gene: FA2H (fatty acid 2-hydroxylase; minus strand). Cytogenetic location: 16q23.1.
Variant type: single nucleotide variant.
Coding change: c.844G>A on transcript NM_024306.5 (MANE Select); coding-DNA position 844, G replaced by A.
Protein change: p.Gly282Ser; replaces glycine 282 with serine.
Molecular consequence: missense variant.
Genome position (GRCh38, 1-based): chr16:74,716,542, C>T on the plus strand (G>A on the coding strand, the complement: FA2H is on the minus strand). VCF-style: chr16-74716542-C-T. GRCh37 (hg19) VCF-style: chr16-74750440-C-T.
Other names: p.Gly282Ser; short protein forms G282S.
Identifiers: ClinVar variation 320495 (VCV000320495.70), dbSNP rs199815871, ClinGen allele CA8170371.
Genomic context (GRCh38, chr16:74,716,542, plus strand): 5'-CAAACACAGTGCCCCCTACTGCCTCGGGCAGGATGAGCTGCATGCACAAGTAGAAGACGC[C>T]GATCACCAGGGAGGCTGGCACAGGGGGGAAGACCAGGCGGGAGCCGTCGAAGGGTGCCTG-3'
Protein context (NP_077282.3, residues 272-292): FPPVPASLVI[Gly282Ser]VFYLCMQLIL